The following is an entry in ClinVar:

ClinVar aggregate classification (germline): Likely benign. Review status: criteria provided, multiple submitters, no conflicts (2 of 4 stars). 3 submissions from 3 submitters: Likely benign (2). 1 of the submissions does not count toward it. Last evaluated 2025-12-24.

Conditions:
Nemaline myopathy 2 (NEM2). Also called: Nemaline myopathy 2, autosomal recessive. Identifiers: MedGen C1850569, MONDO:0009725, OMIM 256030.

Allele frequency attached by ClinVar (database versions not stated): ExAC 0.00001; gnomAD 0.00001; TOPMed 0.00002; gnomAD exomes 0.00004.
gnomAD v4.1: 55 of 1,613,360 alleles (0.0034%); highest among the groups gnomAD compares: East Asian, 0.11%; no homozygotes.

Submissions (3):

Labcorp Genetics (formerly Invitae), Labcorp
Classification: Likely benign for Nemaline myopathy 2. Last evaluated: 2025-12-24. Review status: criteria provided, single submitter. Criteria: Invitae Variant Classification Sherloc (09022015). Collection method: clinical testing. Allele origin: germline.

CeGaT Center for Human Genetics Tuebingen
Classification: Likely benign. Last evaluated: 2022-06-01. Review status: criteria provided, single submitter. Criteria: CeGaT Center For Human Genetics Tuebingen Variant Classification Criteria Version 2. Collection method: clinical testing. Allele origin: germline. Affected: yes. Observed: 1 variant allele.
Comment: NEB: BP4, BP7

Natera, Inc.
Classification: Likely benign for Nemaline myopathy type 2. Last evaluated: 2020-04-27. Review status: no assertion criteria provided. Collection method: clinical testing. Allele origin: germline. Not counted in ClinVar's aggregate classification.

NM_001164508.2(NEB):c.2979T>C (p.Phe993=)

Gene: NEB (nebulin; minus strand). Cytogenetic location: 2q23.3.
Variant type: single nucleotide variant.
Coding change: c.2979T>C on transcript NM_001164508.2 (MANE Select); coding-DNA position 2979, T replaced by C.
Protein change: p.Phe993=; no amino-acid change (phenylalanine 993 retained).
Molecular consequence: synonymous variant.
Genome position (GRCh38, 1-based): chr2:151,680,793, A>G on the plus strand (T>C on the coding strand, the complement: NEB is on the minus strand). VCF-style: chr2-151680793-A-G. GRCh37 (hg19) VCF-style: chr2-152537307-A-G.
Other names: c.2979T>C, p.Phe993= (NM_001164507.2, NM_001271208.2, NM_004543.5).
Identifiers: ClinVar variation 725912 (VCV000725912.36), dbSNP rs780408206, ClinGen allele CA1911054.
Genomic context (GRCh38, chr2:151,680,793, plus strand): 5'-ACTCCTCTGGGCCTGGTTAATTTTAGACTGTACTGTAATTGGAGCATCTTCAATCGAGGT[A>G]AACTTGAGGGTGTCTGGATGTTGGCGATATTTTTTCTGTTTGGCAAATCAAAAAGAGAAA-3'
Protein context (NP_001157980.2, residues 983-1003): KYRQHPDTLK[Phe993=]TSIEDAPITV